The following is an entry in ClinVar:

ClinVar aggregate classification (germline): Conflicting classifications of pathogenicity. Review status: criteria provided, conflicting classifications (1 of 4 stars). 9 submissions from 9 submitters: Pathogenic (4); Likely pathogenic (3); Uncertain significance (1). 1 of the submissions does not count toward it. Last evaluated 2026-01-24.

Conditions:
CFTR-related disorder (CFTR-RD). Also called: CFTR-related condition; CFTR-related disorders. Identifiers: MedGen C5924204, MONDO:7770004.
Congenital bilateral aplasia of vas deferens from CFTR mutation (CBAVD). Identifiers: Orphanet 48, MedGen C0403814, MONDO:0010178, OMIM 277180. Disease mechanism: loss of function.
Cystic fibrosis (CF). Also called: MUCOVISCIDOSIS. Identifiers: Orphanet 586, MedGen C0010674, MONDO:0009061, OMIM 219700. Disease mechanism: loss of function.

Allele frequency attached by ClinVar (database versions not stated): TOPMed 0.00002.
gnomAD v4.1: 6 of 1,612,594 alleles (0.00037%); highest among the groups gnomAD compares: Non-Finnish European, 0.00042%; no homozygotes.

Submissions (9):

Natera, Inc.
Classification: Likely pathogenic for CFTR-related disorders. Last evaluated: 2026-01-24. Review status: criteria provided, single submitter. Criteria: Natera Variant Classification Schema (03/2026). Collection method: clinical testing. Allele origin: germline.
Comment: The c.2552G>T variant in CFTR is a missense variant predicted to cause substitution of arginine to leucine at amino acid 851. This variant is rare in the general population with a frequency below the threshold expected for the associated phenotype(s). This variant has been observed in one or more individuals affected with the associated recessive disease, as either homozygous or compound heterozygous with a second variant (PMID: 27086061, 10794365). Functional studies show that this variant may disrupt protein function (PMID: 38388235). Computational prediction algorithms indicate this variant is likely to affect gene or protein function. Given the available evidence, this variant is classified as Likely Pathogenic.

Labcorp Genetics (formerly Invitae), Labcorp
Classification: Pathogenic for Cystic fibrosis. Last evaluated: 2026-01-09. Review status: criteria provided, single submitter. Criteria: Invitae Variant Classification Sherloc (09022015). Collection method: clinical testing. Allele origin: germline.
Comment: This sequence change replaces arginine, which is basic and polar, with leucine, which is neutral and non-polar, at codon 851 of the CFTR protein (p.Arg851Leu). This variant is not present in population databases (gnomAD no frequency). This missense change has been observed in individual(s) with clinical features of CFTR-related disease (PMID: 9598638, 20167849, 27086061). In at least one individual the data is consistent with being in trans (on the opposite chromosome) from a pathogenic variant. ClinVar contains an entry for this variant (Variation ID: 53511). Invitae Evidence Modeling of protein sequence and biophysical properties (such as structural, functional, and spatial information, amino acid conservation, physicochemical variation, residue mobility, and thermodynamic stability) indicates that this missense variant is expected to disrupt CFTR protein function with a positive predictive value of 80%. For these reasons, this variant has been classified as Pathogenic.

Otogenetics
Classification: Pathogenic for Cystic fibrosis; Congenital bilateral aplasia of vas deferens from CFTR mutation. Last evaluated: 2025-12-12. Review status: criteria provided, single submitter. Criteria: ACMG Guidelines, 2015. Collection method: clinical testing. Allele origin: germline.
Comment: PS3_Supporting: Well-established in vitro and in vivo functional studies supportive of damaging effect on the gene product, with low residual enzymatic activity relative to wild-type reported (PMID: 38388235); PM2: Variant not observed in gnomAD (<0.296% threshold); PM3_VeryStrong: Variant reported in homozygous state in two affected individuals and in trans with pathogenic variants in numerous individuals affected with cystic fibrosis (PMID: 9439669, 14526128); PP3: In-silico models predict deleterious effect (Revel = 0.88, BayesDel = 0.47)

Dasa
Classification: Likely pathogenic. Last evaluated: 2025-09-03. Review status: criteria provided, single submitter. Criteria: DASA Assertion Criteria. Collection method: clinical testing. Allele origin: germline.
Comment: NM_000492.4(CFTR):c.2552G>T (p.Arg851Leu) is a missense variant that results in the substitution of arginine with leucine. This variant has been recurrently observed in individuals with CFTR-related disorders (PMID: 9598638; PMID: 20167849; PMID: 27086061; PMID: 10794365). Also, this variant is rare in population databases. Computational evidence supports a deleterious effect. Based on the currently available evidence, this variant is classified as likely pathogenic.

Women's Health and Genetics/Laboratory Corporation of America, LabCorp
Classification: Pathogenic for Cystic fibrosis. Last evaluated: 2025-05-12. Review status: criteria provided, single submitter. Criteria: LabCorp Variant Classification Summary - May 2015. Collection method: clinical testing. Allele origin: germline.
Comment: Variant summary: CFTR c.2552G>T (p.Arg851Leu) results in a non-conservative amino acid change in the encoded protein sequence. Algorithms developed to predict the effect of missense changes on protein structure and function all suggest that this variant is likely to be disruptive. The variant was absent in 251312 control chromosomes. The variant, c.2552G>T, has been reported in the literature in compound heterozygosity with p.F508del in an individual with idiopathic chronic pancreatitis and bronchitis (Bernardino_2003), and in an individual with congenital bilateral absence of the vas deferens (CBAVD) and a sweat chloride of 74 mmol/L (de la Taille_1998); in a third individual who had diffuse bronchiectasis, but was reported with normal sweat chloride value, the variant was found in compound heterozygosity with p.Arg553* (Bienvenu_2010). The variant was also reported in homozygous state in an individual diagnosed with CFTR-RD (Trujillano_2013). In addition, the variant allele was found in individuals diagnosed cystic fibrosis (CF) or CF-related phenotypes (e.g. Claustres_2000, Perez_2007, da Silva Filho_2020), however in these patients the second allele was not specified. Lastly, a case of "presumed" homozygosity in two children from a consanguineous family who reportedly died due to CF (therefore, not genotyped) has been reported (Casals_1997). These data indicate that the variant is likely to be associated with disease. At least one publication reports experimental evidence evaluating an impact on protein function. The most pronounced variant effect resulted in <10% of normal chloride channel conductance relative to wild type (e.g., Bihler_2024). The following publications have been ascertained in the context of this evaluation (PMID: 17331079, 14526128, 20167849, 9439669, 10923036, 27086061, 16963320, 23687349, 32819855, 9598638, 38388235). ClinVar contains an entry for this variant (Variation ID: 53511). Based on the evidence outlined above, the variant was classified as pathogenic.

Ambry Genetics
Classification: Pathogenic for Cystic fibrosis. Last evaluated: 2025-01-17. Review status: criteria provided, single submitter. Criteria: Ambry Variant Classification Scheme 2023. Collection method: clinical testing. Allele origin: germline.
Comment: The p.R851L pathogenic mutation (also known as c.2552G>T), located in coding exon 15 of the CFTR gene, results from a G to T substitution at nucleotide position 2552. The arginine at codon 851 is replaced by leucine, an amino acid with dissimilar properties. This variant has been identified in the homozygous state and/or in conjunction with other CFTR variant(s) in individual(s) with features consistent with cystic fibrosis or CFTR-related disorders; in at least one instance, the variants were identified in trans (Bernardino AL et al. Genet Test, 2000;4:69-74; Bienvenu T et al. Am J Respir Crit Care Med, 2010 May;181:1078-84; Trujillano D et al. J Med Genet, 2013 Jul;50:455-62; Gaitch N et al. Pancreatology, 2016 Apr;16:515-22). In an assay testing CFTR function, this variant showed a functionally abnormal result (Bihler H et al. J Cyst Fibros, 2024 Jul;23:664-675). This nucleotide position is well conserved in available vertebrate species. This amino acid position is highly conserved in available vertebrate species. In addition, this alteration is predicted to be deleterious by in silico analysis. This variant is considered to be rare based on population cohorts in the Genome Aggregation Database (gnomAD). Based on the supporting evidence, this variant is interpreted as a disease-causing mutation.

Programa de Pós-Graduação em Genética e Biologia Molecular, Universidade Federal do Rio Grande do Sul
Classification: Uncertain significance for Cystic fibrosis. Last evaluated: 2021-09-01. Review status: criteria provided, single submitter. Criteria: ACMG Guidelines, 2015. Collection method: research. Allele origin: inherited, not applicable. Inheritance: Autosomal recessive inheritance. Affected: no. Observed: 1 compound heterozygote. Functional consequence: Normal function.
Comment: However, that has never been confirmed (Casals et al. 1997). This imprecision led to the belief that this variant is pathogenic. Despite this variant has been classified and reclassified over the course of time as pathogenic and lately as likely pathogenic (by Mendelics and Invitae), new functional evidence has shown that this variant does not alter CFTR function even when located in the same allele (in cis) as NM_000492.4(CFTR):1052C>G; p.Thr351Ser) and in trans with the most common pathogenic variant p.Phe508del (NM_000492.4(CFTR):1521_1523delCTT). Although in a pathogenic range due to its very low frequency in public databases (absent in ExAc but seen twice in GnomAd (in a non-Finnish European and in a person of unknown ethnicity), the aminoacid change promoted by this missense variant is located in the transition between the cytoplasm and the transmembrane portions of CFTR, at the beginning of the second transmembrane domain, which does not implicate in an abrupt abnormality in the CFTR protein. Also, there is another missense variant in the same nucleotide position which has been classified as having uncertain significance (NM_000492.4(CFTR):c.2552G>A; p.Arg851Gln). Besides, prediction tools are very disagreeable when predicting the deleteriousness of this variant. Therefore, the controversial data existing to date regarding this variant leads to the classification of uncertain significance. Sweat chloride tests have always been within borderline range (30-59 mM). Fecal elastase-1 levels in feces samples are within the normal range of the assay, which is a biomarker of pancreatic exocrine sufficiency.

Mendelics
Classification: Likely pathogenic for Cystic fibrosis. Last evaluated: 2018-11-05. Review status: criteria provided, single submitter. Criteria: Mendelics Assertion Criteria 2017. Collection method: clinical testing. Allele origin: unknown. Affected: yes.

ClinVar Staff, National Center for Biotechnology Information (NCBI)
No classification provided. Condition: CFTR-related disorders. Review status: no classification provided. Collection method: literature only. Allele origin: germline. Affected: yes. Not counted in ClinVar's aggregate classification.

Literature cited by the submitters: PubMed 27086061 (cited by 5 submitters); PubMed 10794365 (cited by 3 submitters); PubMed 38388235 (cited by 4 submitters); PubMed 9598638 (cited by 3 submitters); PubMed 20167849 (cited by 4 submitters); PubMed 9439669 (cited by 3 submitters); PubMed 14526128 (cited by Otogenetics and Women's Health and Genetics/Laboratory Corporation of America, LabCorp); PubMed 17331079 (cited by Women's Health and Genetics/Laboratory Corporation of America, LabCorp and ClinVar Staff, National Center for Biotechnology Information (NCBI)); PubMed 10923036 (cited by Women's Health and Genetics/Laboratory Corporation of America, LabCorp); PubMed 16963320 (cited by Women's Health and Genetics/Laboratory Corporation of America, LabCorp); PubMed 23687349 (cited by Women's Health and Genetics/Laboratory Corporation of America, LabCorp and Ambry Genetics); PubMed 32819855 (cited by Women's Health and Genetics/Laboratory Corporation of America, LabCorp); DOI 10.1007/s004390050643 (cited by Programa de Pós-Graduação em Genética e Biologia Molecular, Universidade Federal do Rio Grande do Sul).

NM_000492.4(CFTR):c.2552G>T (p.Arg851Leu)

Gene: CFTR (CF transmembrane conductance regulator; plus strand). Cytogenetic location: 7q31.2.
Variant type: single nucleotide variant.
Coding change: c.2552G>T on transcript NM_000492.4 (MANE Select); coding-DNA position 2552, G replaced by T.
Protein change: p.Arg851Leu; replaces arginine 851 with leucine.
Molecular consequence: missense variant.
Genome position (GRCh38, 1-based): chr7:117,594,991, G>T. VCF-style: chr7-117594991-G-T. GRCh37 (hg19) VCF-style: chr7-117235045-G-T.
Other names: p.Arg851Leu; short protein forms R851L.
Identifiers: ClinVar variation 53511 (VCV000053511.47), dbSNP rs397508395, ClinGen allele CA326845.